The following is an entry in ClinVar:

NM_000059.4(BRCA2):c.682A>T (p.Asn228Tyr)

Gene: BRCA2 (BRCA2 DNA repair associated; plus strand). Cytogenetic location: 13q13.1.
Variant type: single nucleotide variant.
Coding change: c.682A>T on transcript NM_000059.4 (MANE Select); coding-DNA position 682, A replaced by T.
Protein change: p.Asn228Tyr; replaces asparagine 228 with tyrosine.
Molecular consequence: missense variant.
Genome position (GRCh38, 1-based): chr13:32,330,919, A>T. VCF-style: chr13-32330919-A-T. GRCh37 (hg19) VCF-style: chr13-32905056-A-T.
Other names: short protein forms N228Y.
Identifiers: ClinVar variation 954815 (VCV000954815.10), dbSNP rs1168653062, ClinGen allele CA387759834.

ClinVar aggregate classification (germline): Uncertain significance (1 of 4 stars; one submission).

Conditions:
Hereditary breast ovarian cancer syndrome. Also called: Hereditary breast and ovarian cancer; Hereditary breast and/or ovarian cancer syndrome; Hereditary breast and ovarian cancer syndrome; Hereditary breast and ovarian cancer syndrome (HBOC); Breast and ovarian cancer; BRCA1- and BRCA2-Associated Hereditary Breast and Ovarian Cancer. Identifiers: Orphanet 145, MedGen C0677776, MeSH D061325, MONDO:0003582. Disease mechanism: loss of function.

Submission:

Labcorp Genetics (formerly Invitae), Labcorp
Classification: Uncertain significance for Hereditary breast ovarian cancer syndrome. Last evaluated: 2021-01-25. Review status: criteria provided, single submitter. Criteria: Invitae Variant Classification Sherloc (09022015). Collection method: clinical testing. Allele origin: germline.
Comment: Algorithms developed to predict the effect of sequence changes on RNA splicing suggest that this variant may disrupt the consensus splice site, but this prediction has not been confirmed by published transcriptional studies. In summary, the available evidence is currently insufficient to determine the role of this variant in disease. Therefore, it has been classified as a Variant of Uncertain Significance. Algorithms developed to predict the effect of missense changes on protein structure and function (SIFT, PolyPhen-2, Align-GVGD) all suggest that this variant is likely to be tolerated, but these predictions have not been confirmed by published functional studies and their clinical significance is uncertain. This variant has not been reported in the literature in individuals with BRCA2-related conditions. This variant is not present in population databases (ExAC no frequency). This sequence change replaces asparagine with tyrosine at codon 228 of the BRCA2 protein (p.Asn228Tyr). The asparagine residue is weakly conserved and there is a large physicochemical difference between asparagine and tyrosine.